The following is an entry in ClinVar:

ClinVar aggregate classification (germline): Conflicting classifications of pathogenicity. Review status: criteria provided, conflicting classifications (1 of 4 stars). 6 submissions from 6 submitters: Uncertain significance (2); Likely benign (4). Last evaluated 2026-05-06.

Conditions:
Hereditary cancer-predisposing syndrome. Also called: Tumor predisposition; Neoplastic Syndromes, Hereditary; Hereditary Cancer Syndrome; Hereditary neoplastic syndrome. Identifiers: Orphanet 140162, MedGen C0027672, MeSH D009386, MONDO:0015356.
Hereditary breast ovarian cancer syndrome. Also called: Hereditary breast and ovarian cancer syndrome (HBOC); Hereditary breast and ovarian cancer syndrome; Hereditary breast and ovarian cancer; Hereditary breast and/or ovarian cancer syndrome; Breast and ovarian cancer; BRCA1- and BRCA2-Associated Hereditary Breast and Ovarian Cancer. Identifiers: Orphanet 145, MedGen C0677776, MeSH D061325, MONDO:0003582. Disease mechanism: loss of function.
Breast-ovarian cancer, familial, susceptibility to, 1 (BROVCA1). Also called: OVARIAN CANCER, SUSCEPTIBILITY TO; BRCA1 Hereditary Breast and Ovarian Cancer. Identifiers: Orphanet 145, MedGen C2676676, MONDO:0011450, OMIM 604370. Disease mechanism: loss of function.

Allele frequency attached by ClinVar (database versions not stated): gnomAD 0.00001; TOPMed 0.00001.
gnomAD v4.1: 5 of 1,604,394 alleles (0.00031%); highest among the groups gnomAD compares: African/African-American, 0.0013%; no homozygotes.

Submissions (7):

Women's Health and Genetics/Laboratory Corporation of America, LabCorp
Classification: Likely benign. Last evaluated: 2026-05-06. Review status: criteria provided, single submitter. Criteria: LabCorp Variant Classification Summary - May 2015. Collection method: clinical testing. Allele origin: germline.
Comment: Variant summary: BRCA1 c.172C>G (p.Pro58Ala) results in a non-conservative amino acid change located in the Zinc finger, RING-type domain (IPR001841) of the encoded protein sequence. Algorithms developed to predict the effect of missense changes on protein structure and function are either unavailable or do not agree on the potential impact of this missense change. The variant was absent in 250812 control chromosomes. The available data on variant occurrences in the general population are insufficient to allow any conclusion about variant significance. c.172C>G has been reported in the literature in individuals/families affected with Hereditary Breast And Ovarian Cancer Syndrome (Ang_2007, Seymour_2008, Wong_2016, Pereira_2022). These report(s) do not provide unequivocal conclusions about association of the variant with Hereditary Breast And Ovarian Cancer Syndrome. At least one publication reports experimental evidence evaluating an impact on protein function (Findlay_2018, Starita_2018, Clark_2022). Furthermore, the variant was assigned an IARC class of Likely Benign following multifactorial likelihood analysis (Parsons_2019). These functional results showed no damaging effect of this variant. The following publications have been ascertained in the context of this evaluation (PMID: 18006916, 35659930, 30209399, 31131967, 35980532, 18092194, 30219179, 32741062, 29263802). ClinVar contains an entry for this variant (Variation ID: 54337). Based on the evidence outlined above, the variant was classified as likely benign.

Labcorp Genetics (formerly Invitae), Labcorp
Classification: Likely benign for Hereditary breast ovarian cancer syndrome. Last evaluated: 2025-10-23. Review status: criteria provided, single submitter. Criteria: Invitae Variant Classification Sherloc (09022015). Collection method: clinical testing. Allele origin: germline.

Color Diagnostics, LLC DBA Color Health
Classification: Uncertain significance for Hereditary cancer-predisposing syndrome. Last evaluated: 2025-09-04. Review status: criteria provided, single submitter. Criteria: ACMG Guidelines, 2015. Collection method: clinical testing. Allele origin: germline.
Comment: This missense variant replaces proline with alanine at codon 58 of the BRCA1 protein. Computational predictions are inconclusive regarding the impact of this variant on protein structure and function. Functional studies reported that this variant does not impact BRCA1 in homology-mediated DNA repair and ubiquitin ligation assays (PMID: 25823446, 302191790), in a haploid cell proliferation assay (PMID: 30209399) and in a mammalian two-hybrid assay for BARD1 interaction (PMID: 35659930). This variant has been reported in at least three hereditary breast and ovarian cancer families including at least one affected carrier (PMID: 18006916, 18092194, 35980532) and in a breast cancer case-control meta-analysis in 3/60466 cases and 0/53461 unaffected individuals (PMID: 33471991Leiden Open Variation Database DB-ID BRCA1_001731). A multifactorial analysis has reached a combined likelihood ratio (LR) of 0.49 based on reported LR for co-occurrence with a pathogenic variant and family history (PMID: 31131967). This variant has been identified in 1/31378 chromosomes in the general population by the Genome Aggregation Database (gnomAD). The available evidence is insufficient to determine the role of this variant in disease conclusively. Therefore, this variant is classified as a Variant of Uncertain Significance.

Lupski Lab, Baylor-Hopkins CMG, Baylor College of Medicine
Classification: Likely benign for Breast-ovarian cancer, familial, susceptibility to, 1. Last evaluated: 2024-04-12. Review status: criteria provided, single submitter. Criteria: Dawood et al. (medRxiv. 2024). Collection method: curation. Allele origin: germline.
Comment: Each variant was annotated with functional scores from MAVE data which was translated into functional evidence codes. All other evidence codes and combining criteria were adhered to as closely as possible based on the ClinGen VCEP (Variant Curation Expert Panel) gene-specific recommendations. See Supplemental Figure 34 of final paper (Supp Fig. 28 in preprint: doi:10.1101/2024.04.11.24305690) for a table to see which lines of evidence we did not have data for. The ClinGen VCEPs are highly regarded as the gold-standard for gene-specific variant curation and are developed after extensive evaluation of the evidence by clinical and scientific experts for the particular gene to classify genomic variants on a spectrum from pathogenic to benign using the 2015 ACMG/AMP Variant Interpretation Guidelines as a backbone (PMID: 25741868). Reclassification of these VUS variants from gnomAD or All of Us focused only on variants originally prescribed as VUS in ClinVar. To ensure reproducibility, transparency, and increased throughput, all the procedures for annotating variants and assigning evidence codes were codified using Python. All code has been made freely available and is linked in the Code Availability section and all reclassified variants with evidence codes used can be found in Tables S18-19 (preprint: doi:10.1101/2024.04.11.24305690). For the MAVE data, the clinical curation and clinical strength assignment as per the ClinGen recommendations in Brnich et al. (2020) (PMID: 31892348) for or against pathogenicity or benignity of each of these MAVE datasets utilized in this study were previously published in Fayer et al. (2021) (PMID: 34793697).In brief, for BRCA1 variants, if a variant was categorized as FUNC (functional), it was assigned BS3 evidence and no PS3 evidence, whereas if it was categorized as LOF (loss of function), the variant was assigned PS3 evidence and no BS3 evidence. Variants categorized as INT (intermediate) were left unannotated. For the BRCA1 combining criteria, greater than or equal to 1 criteria of strong benign evidence was enough to reclassify the VUS as Likely Benign. This variant GRCh38:17:43106496:G>C was assigned evidence codes ['BS3'] and an overall classification of Likely benign

Ambry Genetics
Classification: Likely benign for Hereditary cancer-predisposing syndrome. Last evaluated: 2023-09-21. Review status: criteria provided, single submitter. Criteria: Ambry Variant Classification Scheme 2023. Collection method: clinical testing. Allele origin: germline.

GeneDx
Classification: Uncertain significance. Last evaluated: 2016-10-26. Review status: criteria provided, single submitter. Criteria: GeneDx Variant Classification (06012015). Collection method: clinical testing. Allele origin: germline. Affected: yes.
Comment: This variant is denoted BRCA1 c.172C>G at the cDNA level, p.Pro58Ala (P58A) at the protein level, and results in the change of a Proline to an Alanine (CCT>GCT). Using alternate nomenclature, this variant has been previously published as BRCA1 291C>G. This variant was observed in individuals with a personal and/or family history of breast and/or ovarian cancer (Ang 2007, Seymour 2008). BRCA1 Pro58Ala was not observed in approximately 6,500 individuals of European and African American ancestry in the NHLBI Exome Sequencing Project, suggesting it is not a common benign variant in these populations. Since Proline and Alanine differ in some properties, this is considered a semi-conservative amino acid substitution. BRCA1 Pro58Ala occurs at a position that is not conserved and is located in the RING finger domain ubiquitination site as well as BRD7 and BARD1 interaction regions (Borg 2010, Paul 2014). In silico analyses predict that this variant is probably damaging to protein structure and function. Based on currently available evidence, it is unclear whether BRCA1 Pro58Ala is a pathogenic or benign variant. We consider it to be a variant of uncertain significance.

Brotman Baty Institute, University of Washington
No classification provided (evidence only). Condition: Breast-ovarian cancer, familial 1. Review status: no classification provided. Collection method: in vitro. Allele origin: not applicable. Functional consequence: functionally_normal. Not counted in ClinVar's aggregate classification.
ClinVar note: "not provided" was previously submitted as the classification for the variant. However, the classification appeared to be based only on an observation of functional data so it was converted to no classification on 2025-07-30.

Literature cited by the submitters: PubMed 18006916 (cited by 3 submitters); PubMed 18092194 (cited by 3 submitters); PubMed 30209399 (cited by 3 submitters); PubMed 29263802 (cited by Women's Health and Genetics/Laboratory Corporation of America, LabCorp); PubMed 30219179 (cited by Women's Health and Genetics/Laboratory Corporation of America, LabCorp); PubMed 31131967 (cited by 3 submitters); PubMed 35980532 (cited by 3 submitters); PubMed 32741062 (cited by Women's Health and Genetics/Laboratory Corporation of America, LabCorp); PubMed 35659930 (cited by Women's Health and Genetics/Laboratory Corporation of America, LabCorp and Color Diagnostics, LLC DBA Color Health); PubMed 25823446 (cited by Color Diagnostics, LLC DBA Color Health and Ambry Genetics); PubMed 33471991 (cited by Color Diagnostics, LLC DBA Color Health); PubMed 39142283 (cited by Lupski Lab, Baylor-Hopkins CMG, Baylor College of Medicine); PubMed 34793697 (cited by Lupski Lab, Baylor-Hopkins CMG, Baylor College of Medicine); DOI 10.1101/2024.04.11.24305690 (cited by Lupski Lab, Baylor-Hopkins CMG, Baylor College of Medicine).

NM_007294.4(BRCA1):c.172C>G (p.Pro58Ala)

Gene: BRCA1 (BRCA1 DNA repair associated; minus strand). Cytogenetic location: 17q21.31.
Variant type: single nucleotide variant.
Coding change: c.172C>G on transcript NM_007294.4 (MANE Select); coding-DNA position 172, C replaced by G.
Protein change: p.Pro58Ala; replaces proline 58 with alanine.
Molecular consequence: missense variant. On other transcripts: non-coding transcript variant (1).
Genome position (GRCh38, 1-based): chr17:43,106,496, G>C on the plus strand (C>G on the coding strand, the complement: BRCA1 is on the minus strand). VCF-style: chr17-43106496-G-C. GRCh37 (hg19) VCF-style: chr17-41258513-G-C.
Other names: c.172C>G, p.Pro58Ala (NM_001407683.1, NM_001407684.1, NM_001407685.1 and 168 more transcripts); c.31C>G, p.Pro11Ala (NM_001407692.1, NM_001407694.1, NM_001407695.1 and 99 more transcripts); c.-17C>G (NM_001407853.1, NM_001407879.1, NM_001407881.1 and 58 more transcripts); short protein forms P58A, P11A.
Identifiers: ClinVar variation 54337 (VCV000054337.26), dbSNP rs397508904, ClinGen allele CA001136.